The following is an entry in ClinVar:

NM_000477.7(ALB):c.199G>A (p.Val67Met)

Gene: ALB (albumin; plus strand). Cytogenetic location: 4q13.3.
Variant type: single nucleotide variant.
Coding change: c.199G>A on transcript NM_000477.7 (MANE Select); coding-DNA position 199, G replaced by A.
Protein change: p.Val67Met; replaces valine 67 with methionine.
Molecular consequence: missense variant.
Genome position (GRCh38, 1-based): chr4:73,406,690, G>A. VCF-style: chr4-73406690-G-A. GRCh37 (hg19) VCF-style: chr4-74272407-G-A.
Other names: short protein forms V67M.
Identifiers: ClinVar variation 3675250 (VCV003675250.2).
Genomic context (GRCh38, chr4:73,406,690, plus strand): 5'-GTGTTGATTGCCTTTGCTCAGTATCTTCAGCAGTGTCCATTTGAAGATCATGTAAAATTA[G>A]TGAATGAAGTAACTGAATTTGCAAAAACATGTGTTGCTGATGAGTCAGCTGAAAATTGTG-3'
Protein context (NP_000468.1, residues 57-77): QCPFEDHVKL[Val67Met]NEVTEFAKTC

ClinVar aggregate classification (germline): Uncertain significance (1 of 4 stars; one submission).

gnomAD v4.1: 1 of 1,613,906 alleles (0.000062%); highest among the groups gnomAD compares: South Asian, 0.0011%; no homozygotes.

Submission:

Labcorp Genetics (formerly Invitae), Labcorp
Classification: Uncertain significance. Last evaluated: 2024-12-17. Review status: criteria provided, single submitter. Criteria: Invitae Variant Classification Sherloc (09022015). Collection method: clinical testing. Allele origin: germline.
Comment: This sequence change replaces valine, which is neutral and non-polar, with methionine, which is neutral and non-polar, at codon 67 of the ALB protein (p.Val67Met). This variant is not present in population databases (gnomAD no frequency). This variant has not been reported in the literature in individuals affected with ALB-related conditions. Invitae Evidence Modeling of protein sequence and biophysical properties (such as structural, functional, and spatial information, amino acid conservation, physicochemical variation, residue mobility, and thermodynamic stability) indicates that this missense variant is expected to disrupt ALB protein function with a positive predictive value of 80%. In summary, the available evidence is currently insufficient to determine the role of this variant in disease. Therefore, it has been classified as a Variant of Uncertain Significance.